The following is an entry in ClinVar:

ClinVar aggregate classification (germline): Conflicting classifications of pathogenicity. Review status: criteria provided, conflicting classifications (1 of 4 stars). 4 submissions from 4 submitters: Pathogenic (1); Uncertain significance (1). 2 of the submissions do not count toward it. Last evaluated 2025-01-06.

Conditions:
Charcot-Marie-Tooth disease type 2. Also called: Charcot-Marie-Tooth type 2. Identifiers: Orphanet 64746, MedGen C0270914, MONDO:0018993.
Charcot-Marie-Tooth disease. Also called: Charcot-Marie-Tooth Neuropathy; Charcot-Marie-Tooth Hereditary Neuropathy. Identifiers: Orphanet 166, MedGen C0007959, MONDO:0015626.

Submissions (4):

Labcorp Genetics (formerly Invitae), Labcorp
Classification: Pathogenic for Charcot-Marie-Tooth disease type 2. Last evaluated: 2025-01-06. Review status: criteria provided, single submitter. Criteria: Invitae Variant Classification Sherloc (09022015). Collection method: clinical testing. Allele origin: germline.
Comment: This sequence change replaces glutamic acid, which is acidic and polar, with aspartic acid, which is acidic and polar, at codon 33 of the LMNA protein (p.Glu33Asp). This variant is not present in population databases (gnomAD no frequency). This missense change has been observed in individuals with clinical features of autosomal dominant LMNA-related conditions (PMID: 14985400, 22326558; internal data). ClinVar contains an entry for this variant (Variation ID: 66965). Invitae Evidence Modeling of protein sequence and biophysical properties (such as structural, functional, and spatial information, amino acid conservation, physicochemical variation, residue mobility, and thermodynamic stability) indicates that this missense variant is expected to disrupt LMNA protein function with a positive predictive value of 95%. For these reasons, this variant has been classified as Pathogenic.

Athena Diagnostics
Classification: Uncertain significance. Last evaluated: 2018-06-05. Review status: criteria provided, single submitter. Criteria: Athena Diagnostics Criteria. Collection method: clinical testing. Allele origin: germline.

Epithelial Biology;  Institute of Medical Biology, Singapore
No classification provided. Review status: no classification provided. Collection method: not provided. Allele origin: not provided. Not counted in ClinVar's aggregate classification.

Inherited Neuropathy Consortium
Classification: Uncertain significance for Charcot-Marie-Tooth disease. Review status: no assertion criteria provided. Collection method: literature only. Allele origin: germline. Affected: yes. Not counted in ClinVar's aggregate classification.

Literature cited by the submitters: PubMed 14985400 (cited by 3 submitters); PubMed 22326558 (cited by Labcorp Genetics (formerly Invitae), Labcorp); PubMed 16084085 (cited by Athena Diagnostics); PubMed 20627339 (cited by Athena Diagnostics); PubMed 22071332 (cited by Athena Diagnostics); PubMed 23853504 (cited by Athena Diagnostics).

NM_170707.4(LMNA):c.99G>T (p.Glu33Asp)

Genes: LMNA (lamin A/C; plus strand), LOC129931597 (ATAC-STARR-seq lymphoblastoid silent region 1421; plus strand). Cytogenetic location: 1q22.
Variant type: single nucleotide variant.
Coding change: c.99G>T on transcript NM_170707.4 (MANE Select); coding-DNA position 99, G replaced by T.
Protein change: p.Glu33Asp; replaces glutamic acid 33 with aspartic acid.
Molecular consequence: missense variant.
Genome position (GRCh38, 1-based): chr1:156,115,017, G>T. VCF-style: chr1-156115017-G-T. GRCh37 (hg19) VCF-style: chr1-156084808-G-T.
Other names: c.99G>T, p.Glu33Asp (NM_001282625.2, NM_001282626.2, NM_005572.4 and 1 more transcripts); short protein forms E33D.
Identifiers: ClinVar variation 66965 (VCV000066965.11), dbSNP rs57966821, ClinGen allele CA018951.
Genomic context (GRCh38, chr1:156,115,017, plus strand): 5'-GGCGCAGGCCAGCTCCACTCCGCTGTCGCCCACCCGCATCACCCGGCTGCAGGAGAAGGA[G>T]GACCTGCAGGAGCTCAATGATCGCTTGGCGGTCTACATCGACCGTGTGCGCTCGCTGGAA-3'
Protein context (NP_733821.1, residues 23-43): PTRITRLQEK[Glu33Asp]DLQELNDRLA